The following is an entry in ClinVar:

ClinVar aggregate classification (germline): Likely pathogenic (1 of 4 stars; one submission).

Conditions:
Dilated cardiomyopathy 1G (CMD1G). Identifiers: Orphanet 154, MedGen C1858763, MONDO:0011400, OMIM 604145.
Autosomal recessive limb-girdle muscular dystrophy type 2J (LGMDR10). Also called: MUSCULAR DYSTROPHY, LIMB-GIRDLE, AUTOSOMAL RECESSIVE 10; Limb-girdle muscular dystrophy, type 2J. Identifiers: Orphanet 140922, MedGen C1837342, MONDO:0012127, OMIM 608807.

Submission:

Labcorp Genetics (formerly Invitae), Labcorp
Classification: Likely pathogenic for Dilated cardiomyopathy 1G; Autosomal recessive limb-girdle muscular dystrophy type 2J. Last evaluated: 2019-07-12. Review status: criteria provided, single submitter. Criteria: Invitae Variant Classification Sherloc (09022015). Collection method: clinical testing. Allele origin: germline.
Comment: This variant has not been reported in the literature in individuals with TTN-related conditions. In summary, the currently available evidence indicates that the variant is pathogenic, but additional data are needed to prove that conclusively. Therefore, this variant has been classified as Likely Pathogenic. This variant is located in the A band of TTN (PMID: 25589632). Truncating variants in this region are significantly overrepresented in patients affected with dilated cardiomyopathy (PMID: 25589632). Truncating variants in this region have also been reported in individuals affected with autosomal recessive centronuclear myopathy (PMID: 23975875). This variant is not present in population databases (ExAC no frequency). This sequence change results in a premature translational stop signal in the TTN gene (p.Asp24471Lysfs*18). While this is not anticipated to result in nonsense mediated decay, it is expected to create a truncated TTN protein.

Literature cited by the submitters: PubMed 25589632; PubMed 23975875.

NM_001267550.2(TTN):c.73411_73414del (p.Asp24471fs)

Genes: TTN-AS1 (TTN antisense RNA 1; plus strand), TTN (titin; minus strand). Cytogenetic location: 2q31.2.
Variant type: Deletion.
Coding change: c.73411_73414del on transcript NM_001267550.2 (MANE Select); coding-DNA positions 73411 to 73414, 4 bases deleted (GATA; older notation c.73411_73414delGATA).
Protein change: p.Asp24471fs; shifts the reading frame from aspartic acid 24471.
Molecular consequence: frameshift variant.
Genome position (GRCh38, 1-based): chr2:178,572,718-178,572,721, TATC deleted on the plus strand (GATA on the coding strand, the reverse complement: TTN is on the minus strand); deleting any 4 consecutive bases within chr2:178,572,718-178,572,723 gives the same sequence; the c. name uses the placement nearest the transcript's 3' end. VCF-style (leftmost placement, unchanged base first): chr2-178572717-TTATC-T. GRCh37 (hg19) VCF-style: chr2-179437444-TTATC-T.
Other names: c.68488_68491del, p.Asp22830fs (NM_001256850.1); c.46216_46219del, p.Asp15406fs (NM_003319.4); c.65707_65710del, p.Asp21903fs (NM_133378.4); c.46591_46594del, p.Asp15531fs (NM_133432.3); c.46792_46795del, p.Asp15598fs (NM_133437.4); short protein forms D15406fs, D24471fs, D15531fs, D22830fs, D15598fs, D21903fs.
Identifiers: ClinVar variation 944587 (VCV000944587.10), dbSNP rs1708673550, ClinGen allele CA1139657503.